The following is an entry in ClinVar:

ClinVar aggregate classification (germline): Pathogenic (1 of 4 stars; one submission).

Submission:

Labcorp Genetics (formerly Invitae), Labcorp
Classification: Pathogenic. Last evaluated: 2023-06-15. Review status: criteria provided, single submitter. Criteria: Invitae Variant Classification Sherloc (09022015). Collection method: clinical testing. Allele origin: germline.
Comment: This sequence change replaces cysteine, which is neutral and slightly polar, with serine, which is neutral and polar, at codon 251 of the NOTCH3 protein (p.Cys251Ser). This variant is not present in population databases (gnomAD no frequency). This missense change has been observed in individuals with cerebral arteriopathy with subcortical infarcts and leukoencephalopathy and/or lateral meningocele syndrome (PMID: 14710716, 28534048; Invitae). Advanced modeling of protein sequence and biophysical properties (such as structural, functional, and spatial information, amino acid conservation, physicochemical variation, residue mobility, and thermodynamic stability) performed at Invitae indicates that this missense variant is expected to disrupt NOTCH3 protein function. This variant disrupts the p.Cys251 amino acid residue in NOTCH3. Other variant(s) that disrupt this residue have been observed in individuals with NOTCH3-related conditions (PMID: 17629811, 19174371, 19372454), which suggests that this may be a clinically significant amino acid residue. For these reasons, this variant has been classified as Pathogenic.

Literature cited by the submitters: PubMed 14710716; PubMed 28534048; PubMed 17629811; PubMed 19174371; PubMed 19372454.

NM_000435.3(NOTCH3):c.751T>A (p.Cys251Ser)

Gene: NOTCH3 (notch receptor 3; minus strand). Cytogenetic location: 19p13.12.
Variant type: single nucleotide variant.
Coding change: c.751T>A on transcript NM_000435.3 (MANE Select); coding-DNA position 751, T replaced by A.
Protein change: p.Cys251Ser; replaces cysteine 251 with serine.
Molecular consequence: missense variant.
Genome position (GRCh38, 1-based): chr19:15,191,796, A>T on the plus strand (T>A on the coding strand, the complement: NOTCH3 is on the minus strand). VCF-style: chr19-15191796-A-T. GRCh37 (hg19) VCF-style: chr19-15302607-A-T.
Other names: short protein forms C251S.
Identifiers: ClinVar variation 2736835 (VCV002736835.3), dbSNP rs1568361608, ClinGen allele CA404532536.
Genomic context (GRCh38, chr19:15,191,796, plus strand): 5'-AGTGCCCACCTGTCCACTCAGGAGGGCACTGGCAGTTATAGGTGTTGACGCCATCCACGC[A>T]TGTCCCCCCATTGAGACATCGGTGTCCTGGACAGTCGTCCACGTTCACTTCACAATTCTG-3'
Protein context (NP_000426.2, residues 241-261): PGHRCLNGGT[Cys251Ser]VDGVNTYNCQ